The following is an entry in ClinVar:

NM_001253852.3(AP4B1):c.1507A>G (p.Ile503Val)

Genes: AP4B1-AS1 (AP4B1 antisense RNA 1; plus strand), AP4B1 (adaptor related protein complex 4 subunit beta 1; minus strand). Cytogenetic location: 1p13.2.
Variant type: single nucleotide variant.
Coding change: c.1507A>G on transcript NM_001253852.3 (MANE Select); coding-DNA position 1507, A replaced by G.
Protein change: p.Ile503Val; replaces isoleucine 503 with valine.
Molecular consequence: missense variant.
Genome position (GRCh38, 1-based): chr1:113,896,261, T>C on the plus strand (A>G on the coding strand, the complement: AP4B1 is on the minus strand). VCF-style: chr1-113896261-T-C. GRCh37 (hg19) VCF-style: chr1-114438883-T-C.
Other names: c.1210A>G, p.Ile404Val (NM_001253853.3); c.1003A>G, p.Ile335Val (NM_001308312.2); c.1507A>G, p.Ile503Val (NM_006594.5); short protein forms I404V, I503V, I335V.
Identifiers: ClinVar variation 1410027 (VCV001410027.8), dbSNP rs1230787334, ClinGen allele CA341709715.

ClinVar aggregate classification (germline): Uncertain significance (1 of 4 stars; one submission).

Conditions:
Hereditary spastic paraplegia 47. Also called: CEREBRAL PALSY, SPASTIC QUADRIPLEGIC, 5; adaptor protein 4 (AP-4) deficiency syndrome; Spastic paraplegia 47, autosomal recessive. Identifiers: Orphanet 280763, MedGen C3279738, MONDO:0013551, OMIM 614066.

Allele frequency attached by ClinVar (database versions not stated): gnomAD exomes below 0.00001; gnomAD 0.00002 and 0.00003.
gnomAD v4.1: 10 of 1,614,032 alleles (0.00062%); highest among the groups gnomAD compares: South Asian, 0.0011%; no homozygotes.

Submission:

Labcorp Genetics (formerly Invitae), Labcorp
Classification: Uncertain significance for Hereditary spastic paraplegia 47. Last evaluated: 2022-10-05. Review status: criteria provided, single submitter. Criteria: Invitae Variant Classification Sherloc (09022015). Collection method: clinical testing. Allele origin: germline.
Comment: This sequence change replaces isoleucine, which is neutral and non-polar, with valine, which is neutral and non-polar, at codon 503 of the AP4B1 protein (p.Ile503Val). This variant is present in population databases (no rsID available, gnomAD 0.004%). This variant has not been reported in the literature in individuals affected with AP4B1-related conditions. ClinVar contains an entry for this variant (Variation ID: 1410027). Advanced modeling of protein sequence and biophysical properties (such as structural, functional, and spatial information, amino acid conservation, physicochemical variation, residue mobility, and thermodynamic stability) performed at Invitae indicates that this missense variant is not expected to disrupt AP4B1 protein function. Algorithms developed to predict the effect of sequence changes on RNA splicing suggest that this variant may create or strengthen a splice site. In summary, the available evidence is currently insufficient to determine the role of this variant in disease. Therefore, it has been classified as a Variant of Uncertain Significance.